The following is an entry in ClinVar:

NM_001276270.2(MBD4):c.125A>T (p.Glu42Val)

Gene: MBD4 (methyl-CpG binding domain 4, DNA glycosylase; minus strand). Cytogenetic location: 3q21.3.
Variant type: single nucleotide variant.
Coding change: c.125A>T on transcript NM_001276270.2 (MANE Select); coding-DNA position 125, A replaced by T.
Protein change: p.Glu42Val; replaces glutamic acid 42 with valine.
Molecular consequence: missense variant.
Genome position (GRCh38, 1-based): chr3:129,437,930, T>A on the plus strand (A>T on the coding strand, the complement: MBD4 is on the minus strand). VCF-style: chr3-129437930-T-A. GRCh37 (hg19) VCF-style: chr3-129156773-T-A.
Other names: c.125A>T, p.Glu42Val (NM_001276271.2, NM_001276272.2, NM_001276273.2 and 1 more transcripts); short protein forms E42V.
Identifiers: ClinVar variation 3870856 (VCV003870856.1).

ClinVar aggregate classification (germline): Uncertain significance (1 of 4 stars; one submission).

Conditions:
Inborn genetic diseases. Identifiers: MedGen C0950123, MeSH D030342.

gnomAD v4.1: 7 of 1,611,090 alleles (0.00043%); highest among the groups gnomAD compares: East Asian, 0.016%; no homozygotes.

Submission:

Ambry Genetics
Classification: Uncertain significance for Inborn genetic diseases. Last evaluated: 2024-12-14. Review status: criteria provided, single submitter. Criteria: Ambry Variant Classification Scheme 2023. Collection method: clinical testing. Allele origin: germline.
Comment: The p.E42V variant (also known as c.125A>T), located in coding exon 2 of the MBD4 gene, results from an A to T substitution at nucleotide position 125. The glutamic acid at codon 42 is replaced by valine, an amino acid with dissimilar properties. This amino acid position is conserved. In addition, this alteration is predicted to be tolerated by in silico analysis. Based on the available evidence, the clinical significance of this variant remains unclear.